The following is an entry in ClinVar:

NM_173630.4(RTTN):c.4906T>C (p.Phe1636Leu)

Gene: RTTN (rotatin; minus strand). Cytogenetic location: 18q22.2.
Variant type: single nucleotide variant.
Coding change: c.4906T>C on transcript NM_173630.4 (MANE Select); coding-DNA position 4906, T replaced by C.
Protein change: p.Phe1636Leu; replaces phenylalanine 1636 with leucine.
Molecular consequence: missense variant.
Genome position (GRCh38, 1-based): chr18:70,059,884, A>G on the plus strand (T>C on the coding strand, the complement: RTTN is on the minus strand). VCF-style: chr18-70059884-A-G. GRCh37 (hg19) VCF-style: chr18-67727120-A-G.
Other names: c.2170T>C, p.Phe724Leu (NM_001318520.2); short protein forms F1636L, F724L.
Identifiers: ClinVar variation 2228669 (VCV002228669.2), dbSNP rs2512039807, ClinGen allele CA402694358.

ClinVar aggregate classification (germline): Uncertain significance (1 of 4 stars; one submission).

Conditions:
Inborn genetic diseases. Identifiers: MedGen C0950123, MeSH D030342.

Submission:

Ambry Genetics
Classification: Uncertain significance for Inborn genetic diseases. Last evaluated: 2021-01-08. Review status: criteria provided, single submitter. Criteria: Ambry Variant Classification Scheme 2023. Collection method: clinical testing. Allele origin: germline.
Comment: The c.4906T>C (p.F1636L) alteration is located in exon 36 (coding exon 36) of the RTTN gene. This alteration results from a T to C substitution at nucleotide position 4906, causing the phenylalanine (F) at amino acid position 1636 to be replaced by a leucine (L). The p.F1636L alteration is predicted to be tolerated by in silico analysis. Based on insufficient or conflicting evidence, the clinical significance of this alteration remains unclear.